The following is an entry in ClinVar:

NM_000046.5(ARSB):c.389C>T (p.Pro130Leu)

Gene: ARSB (arylsulfatase B; minus strand). Cytogenetic location: 5q14.1.
Variant type: single nucleotide variant.
Coding change: c.389C>T on transcript NM_000046.5 (MANE Select); coding-DNA position 389, C replaced by T.
Protein change: p.Pro130Leu; replaces proline 130 with leucine.
Molecular consequence: missense variant.
Genome position (GRCh38, 1-based): chr5:78,969,116, G>A on the plus strand (C>T on the coding strand, the complement: ARSB is on the minus strand). VCF-style: chr5-78969116-G-A. GRCh37 (hg19) VCF-style: chr5-78264939-G-A.
Other names: c.389C>T, p.Pro130Leu (NM_198709.3); short protein forms P130L.
Identifiers: ClinVar variation 559777 (VCV000559777.3), dbSNP rs1435155976, ClinGen allele CA360194254.

ClinVar aggregate classification (germline): Conflicting classifications of pathogenicity. Review status: criteria provided, conflicting classifications (1 of 4 stars). 3 submissions from 3 submitters: Likely pathogenic (1); Uncertain significance (2). Last evaluated 2024-04-02.

Conditions:
Mucopolysaccharidosis type 6 (MPS6). Also called: MPS 6; Maroteaux Lamy syndrome; ARSB DEFICIENCY; ARYLSULFATASE B DEFICIENCY; MPS VI; N-ACETYLGALACTOSAMINE-4-SULFATASE DEFICIENCY. Identifiers: Orphanet 583, MedGen C0026709, MONDO:0009661, OMIM 253200.

Allele frequency attached by ClinVar (database versions not stated): gnomAD exomes 0.00001 and below 0.00001.
gnomAD v4.1: 11 of 1,614,122 alleles (0.00068%); highest among the groups gnomAD compares: Non-Finnish European, 0.00093%; no homozygotes.

Submissions (3):

Fulgent Genetics
Classification: Likely pathogenic for Mucopolysaccharidosis type 6. Last evaluated: 2024-04-02. Review status: criteria provided, single submitter. Criteria: ACMG Guidelines, 2015. Collection method: clinical testing. Allele origin: germline.

Blueprint Genetics
Classification: Uncertain significance. Last evaluated: 2018-07-30. Review status: criteria provided, single submitter. Criteria: ACMG Guidelines, 2015. Collection method: clinical testing. Allele origin: germline.

Laboratory of Diagnosis and Therapy of Lysosomal Disorders, University of Padova
Classification: Uncertain significance for Mucopolysaccharidosis type 6. Last evaluated: 2018-01-01. Review status: criteria provided, single submitter. Criteria: ACMG Guidelines, 2015. Collection method: curation. Allele origin: germline. Affected: yes.
Comment: Very low frequency in ExAC (PM2)

Literature cited by the submitters: PubMed 17161971 (cited by Laboratory of Diagnosis and Therapy of Lysosomal Disorders, University of Padova); PubMed 30118150 (cited by Laboratory of Diagnosis and Therapy of Lysosomal Disorders, University of Padova).